The following is an entry in ClinVar:

ClinVar aggregate classification (germline): Uncertain significance (1 of 4 stars; one submission).

Conditions:
Inborn genetic diseases. Identifiers: MedGen C0950123, MeSH D030342.

Submission:

Ambry Genetics
Classification: Uncertain significance for Inborn genetic diseases. Last evaluated: 2025-04-21. Review status: criteria provided, single submitter. Criteria: Ambry Variant Classification Scheme 2023. Collection method: clinical testing. Allele origin: germline.
Comment: The p.G824D variant (also known as c.2471G>A), located in coding exon 14 of the FANCM gene, results from a G to A substitution at nucleotide position 2471. The glycine at codon 824 is replaced by aspartic acid, an amino acid with similar properties. This amino acid position is conserved. In addition, this alteration is predicted to be tolerated by in silico analysis. Based on the available evidence, the clinical significance of this variant remains unclear.

NM_020937.4(FANCM):c.2471G>A (p.Gly824Asp)

Gene: FANCM (FA complementation group M; plus strand). Cytogenetic location: 14q21.2.
Variant type: single nucleotide variant.
Coding change: c.2471G>A on transcript NM_020937.4 (MANE Select); coding-DNA position 2471, G replaced by A.
Protein change: p.Gly824Asp; replaces glycine 824 with aspartic acid.
Molecular consequence: missense variant.
Genome position (GRCh38, 1-based): chr14:45,175,225, G>A. VCF-style: chr14-45175225-G-A. GRCh37 (hg19) VCF-style: chr14-45644428-G-A.
Other names: c.2393G>A, p.Gly798Asp (NM_001308133.2); short protein forms G824D, G798D.
Identifiers: ClinVar variation 4022717 (VCV004022717.1).
Genomic context (GRCh38, chr14:45,175,225, plus strand): 5'-TTGCCAGTGACACCTTTATCACTCACAAGAAATCGTCATTTATAAAGAACATAAATCAAG[G>A]CAGTTCATCCTCAGTGATAGAATCTGATGAAGAATGTGCTGAAATTGTTAAACAAACTCA-3'
Protein context (NP_065988.1, residues 814-834): KSSFIKNINQ[Gly824Asp]SSSSVIESDE